The following is an entry in ClinVar:

NM_003242.6(TGFBR2):c.448T>C (p.Ser150Pro)

Gene: TGFBR2 (transforming growth factor beta receptor 2; plus strand). Cytogenetic location: 3p24.1.
Variant type: single nucleotide variant.
Coding change: c.448T>C on transcript NM_003242.6 (MANE Select); coding-DNA position 448, T replaced by C.
Protein change: p.Ser150Pro; replaces serine 150 with proline.
Molecular consequence: missense variant.
Genome position (GRCh38, 1-based): chr3:30,650,454, T>C. VCF-style: chr3-30650454-T-C. GRCh37 (hg19) VCF-style: chr3-30691946-T-C.
Other names: c.523T>C, p.Ser175Pro (NM_001024847.3, NM_001407126.1, NM_001407139.1); c.448T>C, p.Ser150Pro (NM_001407127.1, NM_001407130.1); c.475T>C, p.Ser159Pro (NM_001407128.1); c.343T>C, p.Ser115Pro (NM_001407129.1, NM_001407132.1, NM_001407133.1 and 3 more transcripts); short protein forms S150P, S175P, S115P, S159P.
Identifiers: ClinVar variation 477547 (VCV000477547.15), dbSNP rs1346274891, ClinGen allele CA351807122.

ClinVar aggregate classification (germline): Uncertain significance. Review status: criteria provided, multiple submitters, no conflicts (2 of 4 stars). 5 submissions from 5 submitters: Uncertain significance (5). Last evaluated 2025-07-03.

Conditions:
TGFBR2-related disorder. Also called: TGFBR2-related condition.
Familial thoracic aortic aneurysm and aortic dissection (TAAD). Also called: Thoracic aortic aneurysms and dissections. Identifiers: Orphanet 91387, MedGen C4707243, MONDO:0019625.

Allele frequency attached by ClinVar (database versions not stated): gnomAD 0.00001; gnomAD exomes 0.00001; TOPMed 0.00001.
gnomAD v4.1: 11 of 1,613,918 alleles (0.00068%); highest among the groups gnomAD compares: Non-Finnish European, 0.00093%; no homozygotes.

Submissions (5):

Labcorp Genetics (formerly Invitae), Labcorp
Classification: Uncertain significance for Familial thoracic aortic aneurysm and aortic dissection. Last evaluated: 2025-07-03. Review status: criteria provided, single submitter. Criteria: Invitae Variant Classification Sherloc (09022015). Collection method: clinical testing. Allele origin: germline.
Comment: This sequence change replaces serine, which is neutral and polar, with proline, which is neutral and non-polar, at codon 150 of the TGFBR2 protein (p.Ser150Pro). The frequency data for this variant in the population databases is considered unreliable, as metrics indicate poor data quality at this position in the gnomAD database. This missense change has been observed in individual(s) with clinical features of TGFBR2-related conditions (internal data). ClinVar contains an entry for this variant (Variation ID: 477547). Invitae Evidence Modeling incorporating data from in vitro experimental studies (internal data) indicates that this missense variant is not expected to disrupt TGFBR2 function with a negative predictive value of 95%. In summary, the available evidence is currently insufficient to determine the role of this variant in disease. Therefore, it has been classified as a Variant of Uncertain Significance.

Color Diagnostics, LLC DBA Color Health
Classification: Uncertain significance for Familial thoracic aortic aneurysm and aortic dissection. Last evaluated: 2025-06-25. Review status: criteria provided, single submitter. Criteria: ACMG Guidelines, 2015. Collection method: clinical testing. Allele origin: germline.
Comment: This missense variant replaces serine with proline at codon 150 of the TGFBR2 protein. Computational prediction suggests that this variant may not impact protein structure and function. To our knowledge, functional studies have not been reported for this variant. This variant has not been reported in individuals affected with TGFBR2-related disorders in the literature. This variant has not been identified in the general population by the Genome Aggregation Database (gnomAD). The available evidence is insufficient to determine the role of this variant in disease conclusively. Therefore, this variant is classified as a Variant of Uncertain Significance.

GeneDx
Classification: Uncertain significance. Last evaluated: 2025-06-06. Review status: criteria provided, single submitter. Criteria: GeneDx Variant Classification Process June 2021. Collection method: clinical testing. Allele origin: germline. Affected: yes.
Comment: Not observed at significant frequency in large population cohorts (gnomAD); In silico analysis suggests that this missense variant does not alter protein structure/function; Has not been previously published as pathogenic or benign to our knowledge

Ambry Genetics
Classification: Uncertain significance for Familial thoracic aortic aneurysm and aortic dissection. Last evaluated: 2022-11-04. Review status: criteria provided, single submitter. Criteria: Ambry Variant Classification Scheme 2023. Collection method: clinical testing. Allele origin: germline.
Comment: The p.S150P variant (also known as c.448T>C), located in coding exon 3 of the TGFBR2 gene, results from a T to C substitution at nucleotide position 448. The serine at codon 150 is replaced by proline, an amino acid with similar properties. This amino acid position is conserved. In addition, the in silico prediction for this alteration is inconclusive. Since supporting evidence is limited at this time, the clinical significance of this alteration remains unclear.

PreventionGenetics, part of Exact Sciences
Classification: Uncertain significance for TGFBR2-related condition. Last evaluated: 2022-08-24. Review status: criteria provided, single submitter. Criteria: ACMG Guidelines, 2015. Collection method: clinical testing. Allele origin: germline.
Comment: The TGFBR2 c.448T>C variant is predicted to result in the amino acid substitution p.Ser150Pro. To our knowledge, this variant has not been reported in the literature. This variant is reported in 0.00089% of alleles in individuals of European (Non-Finnish) descent in gnomAD. At this time, the clinical significance of this variant is uncertain due to the absence of conclusive functional and genetic evidence.